The following is an entry in ClinVar:

NM_000093.5(COL5A1):c.1827+295A>G

Gene: COL5A1 (collagen type V alpha 1 chain; plus strand). Cytogenetic location: 9q34.3.
Variant type: single nucleotide variant.
Coding change: c.1827+295A>G on transcript NM_000093.5 (MANE Select); 295 bases into the intron after coding-DNA position 1827, A replaced by G.
Molecular consequence: intron variant.
Genome position (GRCh38, 1-based): chr9:134,754,621, A>G. VCF-style: chr9-134754621-A-G. GRCh37 (hg19) VCF-style: chr9-137646467-A-G.
Other names: c.1827+295A>G (NM_001278074.1).
Identifiers: ClinVar variation 683383 (VCV000683383.1), dbSNP rs12685536, ClinGen allele CA13021983.

ClinVar aggregate classification (germline): Benign (1 of 4 stars; one submission).

Allele frequency attached by ClinVar (database versions not stated): 1000 Genomes Project 30x 0.18504; TOPMed 0.18684; gnomAD 0.18961 and 0.19038; 1000 Genomes Project 0.19030.
gnomAD v4.1: 29,157 of 152,188 alleles (19%); highest among the groups gnomAD compares: East Asian, 35%; 3,110 homozygotes.

Submission:

GeneDx
Classification: Benign. Last evaluated: 2018-06-14. Review status: criteria provided, single submitter. Criteria: GeneDx Variant Classification (06012015). Collection method: clinical testing. Allele origin: germline. Affected: yes.
Comment: This variant is considered likely benign or benign based on one or more of the following criteria: it is a conservative change, it occurs at a poorly conserved position in the protein, it is predicted to be benign by multiple in silico algorithms, and/or has population frequency not consistent with disease.